The following is an entry in ClinVar:

NM_000264.5(PTCH1):c.4184G>T (p.Gly1395Val)

Gene: PTCH1 (patched 1; minus strand). Cytogenetic location: 9q22.32.
Variant type: single nucleotide variant.
Coding change: c.4184G>T on transcript NM_000264.5 (MANE Select); coding-DNA position 4184, G replaced by T.
Protein change: p.Gly1395Val; replaces glycine 1395 with valine.
Molecular consequence: missense variant. On other transcripts: non-coding transcript variant (1).
Genome position (GRCh38, 1-based): chr9:95,447,072, C>A on the plus strand (G>T on the coding strand, the complement: PTCH1 is on the minus strand). VCF-style: chr9-95447072-C-A. GRCh37 (hg19) VCF-style: chr9-98209354-C-A.
Other names: c.3986G>T, p.Gly1329Val (NM_001083602.3); c.4181G>T, p.Gly1394Val (NM_001083603.3); c.3731G>T, p.Gly1244Val (NM_001083604.3, NM_001083605.3, NM_001083606.3 and 1 more transcripts); c.4028G>T, p.Gly1343Val (NM_001354918.2); short protein forms G1395V, G1329V, G1244V, G1343V, G1394V.
Identifiers: ClinVar variation 1738524 (VCV001738524.3), dbSNP rs1212282721, ClinGen allele CA374110163.

ClinVar aggregate classification (germline): Uncertain significance (1 of 4 stars; one submission).

Conditions:
Hereditary cancer-predisposing syndrome. Also called: Hereditary Cancer Syndrome; Hereditary neoplastic syndrome; Neoplastic Syndromes, Hereditary; Tumor predisposition. Identifiers: Orphanet 140162, MedGen C0027672, MeSH D009386, MONDO:0015356.

Submission:

Ambry Genetics
Classification: Uncertain significance for Hereditary cancer-predisposing syndrome. Last evaluated: 2024-05-26. Review status: criteria provided, single submitter. Criteria: Ambry Variant Classification Scheme 2023. Collection method: clinical testing. Allele origin: germline.
Comment: The p.G1395V variant (also known as c.4184G>T), located in coding exon 23 of the PTCH1 gene, results from a G to T substitution at nucleotide position 4184. The glycine at codon 1395 is replaced by valine, an amino acid with dissimilar properties. This amino acid position is well conserved in available vertebrate species. In addition, this alteration is predicted to be tolerated by in silico analysis. Since supporting evidence is limited at this time, the clinical significance of this alteration remains unclear.